The following is an entry in ClinVar:

ClinVar aggregate classification (germline): Uncertain significance (1 of 4 stars; one submission).

Conditions:
Immunodeficiency 51 (IMD51). Also called: CANDIDIASIS, FAMILIAL, 5. Identifiers: Orphanet 1334, MedGen C4310803, MONDO:0013500, OMIM 613953.

Allele frequency attached by ClinVar (database versions not stated): gnomAD exomes below 0.00001; ExAC 0.00001; gnomAD 0.00001; TOPMed 0.00001.
gnomAD v4.1: 4 of 1,613,974 alleles (0.00025%); highest among the groups gnomAD compares: African/African-American, 0.0027%; no homozygotes.

Submission:

Labcorp Genetics (formerly Invitae), Labcorp
Classification: Uncertain significance for Immunodeficiency 51. Last evaluated: 2017-11-28. Review status: criteria provided, single submitter. Criteria: Invitae Variant Classification Sherloc (09022015). Collection method: clinical testing. Allele origin: germline.
Comment: In summary, the available evidence is currently insufficient to determine the role of this variant in disease. Therefore, it has been classified as a Variant of Uncertain Significance. Algorithms developed to predict the effect of missense changes on protein structure and function output the following: SIFT: "Tolerated"; PolyPhen-2: "Benign"; Align-GVGD: "Class C0". The isoleucine amino acid residue is found in multiple mammalian species, suggesting that this missense change does not adversely affect protein function. These predictions have not been confirmed by published functional studies and their clinical significance is uncertain. This variant has not been reported in the literature in individuals with IL17RA-related disease. This variant is present in population databases (rs776247658, ExAC 0.01%). This sequence change replaces threonine with isoleucine at codon 309 of the IL17RA protein (p.Thr309Ile). The threonine residue is moderately conserved and there is a moderate physicochemical difference between threonine and isoleucine.

NM_014339.7(IL17RA):c.926C>T (p.Thr309Ile)

Gene: IL17RA (interleukin 17 receptor A; plus strand). Cytogenetic location: 22q11.1.
Variant type: single nucleotide variant.
Coding change: c.926C>T on transcript NM_014339.7 (MANE Select); coding-DNA position 926, C replaced by T.
Protein change: p.Thr309Ile; replaces threonine 309 with isoleucine.
Molecular consequence: missense variant.
Genome position (GRCh38, 1-based): chr22:17,104,805, C>T. VCF-style: chr22-17104805-C-T. GRCh37 (hg19) VCF-style: chr22-17585695-C-T.
Other names: c.926C>T, p.Thr309Ile (NM_001289905.2); short protein forms T309I.
Identifiers: ClinVar variation 542912 (VCV000542912.8), dbSNP rs776247658, ClinGen allele CA10086539.
Genomic context (GRCh38, chr22:17,104,805, plus strand): 5'-GCTGCCTCAATGACTGCCTCAGACACTCCGCGACTGTTTCCTGCCCAGAAATGCCAGACA[C>T]TCCAGGTAGGGGACATGCGGCTGTCCTAGGCCATACTGGGAGAACAAGTGGCTGAAGGCC-3'
Protein context (NP_055154.3, residues 299-319): ATVSCPEMPD[Thr309Ile]PEPIPDYMPL